The following is an entry in ClinVar:

ClinVar aggregate classification (germline): Likely pathogenic. Review status: criteria provided, multiple submitters, no conflicts (2 of 4 stars). 2 submissions from 2 submitters: Likely pathogenic (2). Last evaluated 2025-10-16.

Conditions:
MHC class II deficiency. Also called: BLS, TYPE II; Bare lymphocyte syndrome 2. Identifiers: Orphanet 572, MedGen C5447452, MONDO:0008855.
MHC class II deficiency 2. Also called: Bare lymphocyte syndrome, type II, complementation group B. Identifiers: MedGen C1859535, MONDO:0971013, OMIM 620815.

Submissions (2):

Labcorp Genetics (formerly Invitae), Labcorp
Classification: Likely pathogenic for MHC class II deficiency. Last evaluated: 2025-10-16. Review status: criteria provided, single submitter. Criteria: Invitae Variant Classification Sherloc (09022015). Collection method: clinical testing. Allele origin: germline.
Comment: This sequence change affects a splice site in intron 5 of the RFXANK gene. It is expected to disrupt RNA splicing. Variants that disrupt the donor or acceptor splice site typically lead to a loss of protein function (PMID: 16199547), and loss-of-function variants in RFXANK are known to be pathogenic (PMID: 10803838, 16166641, 21908431). This variant is present in population databases (no rsID available, gnomAD 0.0009%). This variant has not been reported in the literature in individuals affected with RFXANK-related conditions. ClinVar contains an entry for this variant (Variation ID: 1067781). Algorithms developed to predict the effect of sequence changes on RNA splicing suggest that this variant may disrupt the consensus splice site. In summary, the currently available evidence indicates that the variant is pathogenic, but additional data are needed to prove that conclusively. Therefore, this variant has been classified as Likely Pathogenic.

Fulgent Genetics
Classification: Likely pathogenic for MHC class II deficiency 2. Last evaluated: 2024-03-27. Review status: criteria provided, single submitter. Criteria: ACMG Guidelines, 2015. Collection method: clinical testing. Allele origin: germline.

Literature cited by the submitters: PubMed 16199547 (cited by Labcorp Genetics (formerly Invitae), Labcorp); PubMed 10803838 (cited by Labcorp Genetics (formerly Invitae), Labcorp); PubMed 16166641 (cited by Labcorp Genetics (formerly Invitae), Labcorp); PubMed 21908431 (cited by Labcorp Genetics (formerly Invitae), Labcorp).

NM_003721.4(RFXANK):c.337+2_337+3del

Gene: RFXANK (regulatory factor X associated ankyrin containing protein; plus strand). Cytogenetic location: 19p13.11.
Variant type: Deletion.
Coding change: c.337+2_337+3del on transcript NM_003721.4 (MANE Select); the canonical splice donor site of the intron after coding-DNA position 337 through 3 bases into the intron after coding-DNA position 337, 2 bases deleted (TG; older notation c.337+2_337+3delTG).
Molecular consequence: splice donor variant. On other transcripts: intron variant (4).
Genome position (GRCh38, 1-based): chr19:19,197,253-19,197,254, TG deleted; deleting any 2 consecutive bases within chr19:19,197,252-19,197,254 gives the same sequence; the c. name uses the placement nearest the transcript's 3' end. VCF-style (leftmost placement, unchanged base first): chr19-19197251-GGT-G. GRCh37 (hg19) VCF-style: chr19-19308060-GGT-G.
Other names: c.337+2_337+3del (NM_001370233.1, NM_001370238.1); c.271+207_271+208del (NM_001370234.1, NM_001278727.2); c.334+2_334+3del (NM_001370237.1, NM_001370236.1, NM_001370235.1); c.268+207_268+208del (NM_001278728.2, NM_134440.3).
Identifiers: ClinVar variation 1067781 (VCV001067781.8), dbSNP rs1568579235, ClinGen allele CA632383082.